The following is an entry in ClinVar:

NM_001374736.1(DST):c.14180A>G (p.Gln4727Arg)

Genes: DST (dystonin; minus strand), LOC129389544 (MPRA-validated peak5860 silencer; plus strand). Cytogenetic location: 6p12.1.
Variant type: single nucleotide variant.
Coding change: c.14180A>G on transcript NM_001374736.1 (MANE Select); coding-DNA position 14180, A replaced by G.
Protein change: p.Gln4727Arg; replaces glutamine 4727 with arginine.
Molecular consequence: missense variant.
Genome position (GRCh38, 1-based): chr6:56,561,438, T>C on the plus strand (A>G on the coding strand, the complement: DST is on the minus strand). VCF-style: chr6-56561438-T-C. GRCh37 (hg19) VCF-style: chr6-56426236-T-C.
Other names: c.7823A>G, p.Gln2608Arg (NM_001144769.5); c.7409A>G, p.Gln2470Arg (NM_001144770.2); c.14180A>G, p.Gln4727Arg (NM_001374722.1); c.13547A>G, p.Gln4516Arg (NM_001374729.1); c.7289A>G, p.Gln2430Arg (NM_001374730.1, NM_183380.4); c.14207A>G, p.Gln4736Arg (NM_001374734.1); c.6311A>G, p.Gln2104Arg (NM_015548.5); short protein forms Q2430R, Q2470R, Q2104R, Q4516R, Q4727R, Q4736R, Q2608R.
Identifiers: ClinVar variation 972487 (VCV000972487.10), dbSNP rs1235195966, ClinGen allele CA364522737.
Genomic context (GRCh38, chr6:56,561,438, plus strand): 5'-GCAGTTTTGTTCATTTTCTGTAACCACTGCATCATTGCACTTGATTCTTCCTGAGCCTTT[T>C]GCAATTTGGAGAGTTTAGTGTTCAGTTCCGCTATTTTGTCCTTGAGTAAGAGGCCAAGAT-3'
Protein context (NP_001361665.1, residues 4717-4737): AELNTKLSKL[Gln4727Arg]KAQEESSAMM

ClinVar aggregate classification (germline): Uncertain significance. Review status: criteria provided, multiple submitters, no conflicts (2 of 4 stars). 2 submissions from 2 submitters: Uncertain significance (2). Last evaluated 2020-09-08.

Conditions:
Inborn genetic diseases. Identifiers: MedGen C0950123, MeSH D030342.
Epidermolysis bullosa simplex 3, localized or generalized intermediate, with BP230 deficiency (EBS3). Also called: Epidermolysis bullosa simplex due to BP230 deficiency; Epidermolysis bullosa simplex, autosomal recessive 2. Identifiers: Orphanet 412181, MedGen C3809470, MONDO:0014180, OMIM 615425.
Hereditary sensory and autonomic neuropathy type 6. Also called: Neuropathy, hereditary sensory and autonomic, type VI; HSAN VI. Identifiers: Orphanet 314381, MedGen C3539003, MONDO:0013839, OMIM 614653.

Allele frequency attached by ClinVar (database versions not stated): gnomAD exomes below 0.00001; TOPMed below 0.00001; gnomAD 0.00001.
gnomAD v4.1: 14 of 1,613,812 alleles (0.00087%); highest among the groups gnomAD compares: African/African-American, 0.0013%; no homozygotes.

Submissions (2):

Ambry Genetics
Classification: Uncertain significance for Inborn genetic diseases. Last evaluated: 2020-09-08. Review status: criteria provided, single submitter. Criteria: Ambry Variant Classification Scheme 2023. Collection method: clinical testing. Allele origin: germline.
Comment: The p.Q2608R variant (also known as c.7823A>G), located in coding exon 51 of the DST gene, results from an A to G substitution at nucleotide position 7823. The glutamine at codon 2608 is replaced by arginine, an amino acid with highly similar properties. This amino acid position is well conserved in available vertebrate species. In addition, the in silico prediction for this alteration is inconclusive. Since supporting evidence is limited at this time, the clinical significance of this alteration remains unclear.

Labcorp Genetics (formerly Invitae), Labcorp
Classification: Uncertain significance for Epidermolysis bullosa simplex 3, localized or generalized intermediate, with BP230 deficiency; Hereditary sensory and autonomic neuropathy type 6. Last evaluated: 2019-03-27. Review status: criteria provided, single submitter. Criteria: Invitae Variant Classification Sherloc (09022015). Collection method: clinical testing. Allele origin: germline.
Comment: In summary, the available evidence is currently insufficient to determine the role of this variant in disease. Therefore, it has been classified as a Variant of Uncertain Significance. Algorithms developed to predict the effect of missense changes on protein structure and function are either unavailable or do not agree on the potential impact of this missense change (SIFT: "Tolerated"; PolyPhen-2: "Not Available"; Align-GVGD: "Class C0"). This variant has not been reported in the literature in individuals with DST-related conditions. This variant is not present in population databases (ExAC no frequency). This sequence change replaces glutamine with arginine at codon 2104 of the DST protein (p.Gln2104Arg). The glutamine residue is moderately conserved and there is a small physicochemical difference between glutamine and arginine. The DST gene has multiple clinically relevant transcripts. The p.Gln2104Arg variant occurs in alternate transcript NM_015548.4, which corresponds to c.*54079A>G in NM_001723.5, the primary transcript listed in the Methods.